The following is an entry in ClinVar:

ClinVar aggregate classification (germline): Pathogenic (1 of 4 stars; one submission).

Submission:

Labcorp Genetics (formerly Invitae), Labcorp
Classification: Pathogenic. Last evaluated: 2023-05-12. Review status: criteria provided, single submitter. Criteria: Invitae Variant Classification Sherloc (09022015). Collection method: clinical testing. Allele origin: germline.
Comment: For these reasons, this variant has been classified as Pathogenic. This variant has not been reported in the literature in individuals affected with CCDC88C-related conditions. This variant is not present in population databases (gnomAD no frequency). This sequence change creates a premature translational stop signal (p.Pro111Thrfs*24) in the CCDC88C gene. It is expected to result in an absent or disrupted protein product. Loss-of-function variants in CCDC88C are known to be pathogenic (PMID: 23042809, 29225145).

Literature cited by the submitters: PubMed 23042809; PubMed 29225145.

NM_001080414.4(CCDC88C):c.331_332del (p.Pro111fs)

Gene: CCDC88C (coiled-coil and HOOK domain protein 88C; minus strand). Cytogenetic location: 14q32.11.
Variant type: Deletion.
Coding change: c.331_332del on transcript NM_001080414.4 (MANE Select); coding-DNA positions 331 to 332, 2 bases deleted (CC; older notation c.331_332delCC).
Protein change: p.Pro111fs; shifts the reading frame from proline 111.
Molecular consequence: frameshift variant.
Genome position (GRCh38, 1-based): chr14:91,359,650-91,359,651, GG deleted on the plus strand (CC on the coding strand, the reverse complement: CCDC88C is on the minus strand); deleting any 2 consecutive bases within chr14:91,359,650-91,359,652 gives the same sequence; the c. name uses the placement nearest the transcript's 3' end. VCF-style (leftmost placement, unchanged base first): chr14-91359649-TGG-T. GRCh37 (hg19) VCF-style: chr14-91825993-TGG-T.
Other names: short protein forms P111fs.
Identifiers: ClinVar variation 2863656 (VCV002863656.3), dbSNP rs2544513005, ClinGen allele CA2739278508.